The following is an entry in ClinVar:

ClinVar aggregate classification (germline): Pathogenic. Review status: criteria provided, multiple submitters, no conflicts (2 of 4 stars). 7 submissions from 7 submitters: Pathogenic (5). 2 of the submissions do not count toward it. Last evaluated 2026-01-13.

Conditions:
LCA5-related disorder. Also called: LCA5-related condition.
Retinal dystrophy. Also called: Inherited retinal dystrophy. Identifiers: Orphanet 71862, MedGen C0854723, MeSH D058499, MONDO:0019118, HP:0000556.
Leber congenital amaurosis (LCA). Also called: Leber's amaurosis. Identifiers: Orphanet 65, MedGen C0339527, MeSH D057130, MONDO:0018998.
Leber congenital amaurosis 5 (LCA5). Also called: Amaurosis congenita of Leber, type 5. Identifiers: Orphanet 65, MedGen C1858301, MONDO:0011473, OMIM 604537.

Submissions (7):

Labcorp Genetics (formerly Invitae), Labcorp
Classification: Pathogenic. Last evaluated: 2026-01-13. Review status: criteria provided, single submitter. Criteria: Invitae Variant Classification Sherloc (09022015). Collection method: clinical testing. Allele origin: germline.
Comment: This sequence change creates a premature translational stop signal (p.Pro384Glnfs*18) in the LCA5 gene. While this is not anticipated to result in nonsense mediated decay, it is expected to disrupt the last 314 amino acid(s) of the LCA5 protein. This variant is present in population databases (rs386834252, gnomAD 0.003%). This premature translational stop signal has been observed in individual(s) with LCA5-related retinal dystrophy (PMID: 17546029, 26352687). It has also been observed to segregate with disease in related individuals. ClinVar contains an entry for this variant (Variation ID: 966). This variant disrupts a region of the LCA5 protein in which other variant(s) (p.Lys586*) have been determined to be pathogenic (PMID: 23946133, 27624628). This suggests that this is a clinically significant region of the protein, and that variants that disrupt it are likely to be disease-causing. For these reasons, this variant has been classified as Pathogenic.

Blueprint Genetics
Classification: Pathogenic for LCA5-related disorders. Last evaluated: 2024-10-30. Review status: criteria provided, single submitter. Criteria: ACMG Guidelines, 2015. Collection method: clinical testing. Allele origin: germline. Affected: yes. Observed: 5 variant alleles.

Natera, Inc.
Classification: Pathogenic for Leber congenital amaurosis type 5. Last evaluated: 2024-09-26. Review status: criteria provided, single submitter. Criteria: Natera Variant Classification Schema (03/2026). Collection method: clinical testing. Allele origin: germline.
Comment: The c.1151delC variant in LCA5 is a frameshift variant predicted to shift the reading frame beginning at codon 384 and leads to a stop codon 18 codons downstream. This variant is expected to result in nonsense mediated decay, truncation, or a dysfunctional protein product. This variant is rare in the general population with a frequency below the threshold expected for the associated phenotype(s). This variant has been observed in one or more individuals affected with the associated recessive disease, as either homozygous or compound heterozygous with a second variant (PMID: 17546029). Additionally, this variant has been observed to segregate in affected family members (PMID: 17546029). Given the available evidence, this variant is classified as Pathogenic.

Women's Health and Genetics/Laboratory Corporation of America, LabCorp
Classification: Pathogenic for Leber congenital amaurosis. Last evaluated: 2023-02-20. Review status: criteria provided, single submitter. Criteria: LabCorp Variant Classification Summary - May 2015. Collection method: clinical testing. Allele origin: germline.
Comment: Variant summary: LCA5 c.1151delC (p.Pro384GlnfsX18) results in a premature termination codon, predicted to cause a truncation of the encoded protein or absence of the protein due to nonsense mediated decay, which are commonly known mechanisms for disease. Truncations downstream of this position have been classified as pathogenic in ClinVar and are associated with Leber Congenital Amaurosis in HGMD. The variant allele was found at a frequency of 4e-06 in 250504 control chromosomes. The available data on variant occurrences in the general population are insufficient to allow any conclusion about variant significance. c.1151delC has been reported in the literature in multiple individuals affected with Leber Congenital Amaurosis/early-onset retinal degeneration and has been shown to segregate with disease (e.g., denHollander_2007, MacKay_2013, Li_2017). These data indicate that the variant is very likely to be associated with disease. To our knowledge, no experimental evidence demonstrating an impact on protein function has been reported. Two ClinVar submitters (evaluation after 2014) have cited the variant, and both laboratories classified the variant as pathogenic/likely pathogenic. Based on the evidence outlined above, the variant was classified as pathogenic.

Institute of Human Genetics, Univ. Regensburg, Univ. Regensburg
Classification: Pathogenic for Retinal dystrophy. Last evaluated: 2022-01-01. Review status: criteria provided, single submitter. Criteria: ACMG Guidelines, 2015. Collection method: clinical testing. Allele origin: germline. Affected: yes.

OMIM
Classification: Pathogenic for LEBER CONGENITAL AMAUROSIS 5. Last evaluated: 2007-07-01. Review status: no assertion criteria provided. Collection method: literature only. Allele origin: germline. Not counted in ClinVar's aggregate classification.

GeneReviews
No classification provided. Condition: Leber congenital amaurosis 5. Review status: no classification provided. Collection method: literature only. Allele origin: unknown. Not counted in ClinVar's aggregate classification.

Literature cited by the submitters: PubMed 17546029 (cited by 6 submitters); PubMed 26352687 (cited by Labcorp Genetics (formerly Invitae), Labcorp and Institute of Human Genetics, Univ. Regensburg, Univ. Regensburg); PubMed 23946133 (cited by Labcorp Genetics (formerly Invitae), Labcorp and Women's Health and Genetics/Laboratory Corporation of America, LabCorp); PubMed 27624628 (cited by Labcorp Genetics (formerly Invitae), Labcorp); PubMed 28418496 (cited by Women's Health and Genetics/Laboratory Corporation of America, LabCorp); PubMed 31964843 (cited by Institute of Human Genetics, Univ. Regensburg, Univ. Regensburg); PubMed 12642313 (cited by OMIM); PubMed 20301475 (cited by GeneReviews); NCBI Bookshelf NBK1298 (cited by GeneReviews).

NM_001122769.3(LCA5):c.1151del (p.Pro384fs)

Gene: LCA5 (lebercilin LCA5; minus strand). Cytogenetic location: 6q14.1.
Variant type: Deletion.
Coding change: c.1151del on transcript NM_001122769.3 (MANE Select); coding-DNA position 1151, one base deleted (C; older notation c.1151delC).
Protein change: p.Pro384fs; shifts the reading frame from proline 384.
Molecular consequence: frameshift variant.
Genome position (GRCh38, 1-based): chr6:79,489,164, G deleted on the plus strand (C on the coding strand, the reverse complement: LCA5 is on the minus strand); the first of 3 consecutive G bases (chr6:79,489,164-79,489,166); deleting any one gives the same sequence. VCF-style (leftmost placement, unchanged base first): chr6-79489163-TG-T. GRCh37 (hg19) VCF-style: chr6-80198880-TG-T.
Other names: c.1151del, p.Pro384fs (NM_181714.4); c.1151delC (NM_181714.4); c.1151del (NM_181714.3); short protein forms P384fs.
Identifiers: ClinVar variation 966 (VCV000000966.22), dbSNP rs386834252, ClinGen allele CA339855.